The following is an entry in ClinVar:

NM_006922.4(SCN3A):c.967+76G>T

Gene: SCN3A (sodium voltage-gated channel alpha subunit 3; minus strand). Cytogenetic location: 2q24.3.
Variant type: single nucleotide variant.
Coding change: c.967+76G>T on transcript NM_006922.4 (MANE Select); 76 bases into the intron after coding-DNA position 967, G replaced by T.
Molecular consequence: intron variant.
Genome position (GRCh38, 1-based): chr2:165,162,480, C>A on the plus strand (G>T on the coding strand, the complement: SCN3A is on the minus strand). VCF-style: chr2-165162480-C-A. GRCh37 (hg19) VCF-style: chr2-166018990-C-A.
Other names: c.967+76G>T (NM_001081676.2, NM_001081677.2).
Identifiers: ClinVar variation 1180232 (VCV001180232.5), dbSNP rs11887343, ClinGen allele CA15183232.
Genomic context (GRCh38, chr2:165,162,480, plus strand): 5'-CATTAGTATTAGTAATAAATCAGAGTTGGACTATTTCAGTTATTTACAAAGGTGGCTGTA[C>A]ACCCACAGTCTCAACTATTTATAGTTGAAAATTCATTCAGCAACACTAAGGTTAACATAA-3'

ClinVar aggregate classification (germline): Benign. Review status: criteria provided, multiple submitters, no conflicts (2 of 4 stars). 3 submissions from 3 submitters: Benign (3). Last evaluated 2024-07-15.

Allele frequency attached by ClinVar (database versions not stated): gnomAD 0.22595 and 0.22699; TOPMed 0.24253; 1000 Genomes Project 30x 0.31309; 1000 Genomes Project 0.31869.
gnomAD v4.1: 245,947 of 1,599,558 alleles (15%); highest among the groups gnomAD compares: East Asian, 49%; 26,503 homozygotes.

Submissions (3):

Unidad de Genómica Garrahan, Hospital de Pediatría Garrahan
Classification: Benign. Last evaluated: 2024-07-15. Review status: criteria provided, single submitter. Criteria: ACMG Guidelines, 2015. Collection method: clinical testing. Allele origin: germline. Affected: no. Observed: 29 variant alleles.
Comment: This variant is classified as Benign based on local population frequency. This variant was detected in 31% of patients studied in a panel designed for Epileptic and Developmental Encephalopathy and Progressive Myoclonus Epilepsy. Number of patients: 29. Only high quality variants are reported.

GeneDx
Classification: Benign. Last evaluated: 2021-05-15. Review status: criteria provided, single submitter. Criteria: GeneDx Variant Classification Process June 2021. Collection method: clinical testing. Allele origin: germline. Affected: yes.

Breakthrough Genomics
Classification: Benign. Review status: criteria provided, single submitter. Criteria: ACMG Guidelines, 2015. Collection method: not provided. Allele origin: germline. Inheritance: Autosomal dominant inheritance. Affected: yes.